The following is an entry in ClinVar:

ClinVar aggregate classification (germline): Uncertain significance (1 of 4 stars; one submission).

Conditions:
Anauxetic dysplasia. Identifiers: Orphanet 93347, MedGen C1846796, MONDO:0011773.

Allele frequency attached by ClinVar (database versions not stated): 1000 Genomes Project 30x 0.00016; 1000 Genomes Project 0.00020.
gnomAD v4.1: 54 of 683,168 alleles (0.0079%); highest among the groups gnomAD compares: South Asian, 0.011%; no homozygotes.

Submission:

Labcorp Genetics (formerly Invitae), Labcorp
Classification: Uncertain significance for Anauxetic dysplasia. Last evaluated: 2024-12-03. Review status: criteria provided, single submitter. Criteria: Invitae Variant Classification Sherloc (09022015). Collection method: clinical testing. Allele origin: germline.
Comment: This variant occurs in the RMRP gene, which encodes an RNA molecule that does not result in a protein product. This variant is present in population databases (rs555390900, gnomAD 0.02%). This variant has not been reported in the literature in individuals affected with RMRP-related conditions. Experimental studies and prediction algorithms are not available or were not evaluated, and the functional significance of this variant is currently unknown. In summary, the available evidence is currently insufficient to determine the role of this variant in disease. Therefore, it has been classified as a Variant of Uncertain Significance.

NC_000009.12:g.35657750A>G

Gene: RMRP (RNA component of mitochondrial RNA processing endoribonuclease; minus strand). Cytogenetic location: 9p13.3.
Variant type: single nucleotide variant.
Genome position: GRCh38 VCF-style: chr9-35657750-A-G. GRCh37 (hg19) VCF-style: chr9-35657747-A-G.
Identifiers: ClinVar variation 2138952 (VCV002138952.2), dbSNP rs555390900, ClinGen allele CA192745519.